The following is an entry in ClinVar:

ClinVar aggregate classification (germline): Pathogenic (1 of 4 stars; one submission).

Conditions:
Neurofibromatosis, type 1 (NF1). Also called: Peripheral type neurofibromatosis; VON RECKLINGHAUSEN DISEASE; Neurofibromatosis, type I; NEUROFIBROMATOSIS, TYPE I, SOMATIC. Identifiers: Orphanet 636, MedGen C0027831, MONDO:0018975, OMIM 162200. Disease mechanism: loss of function.

Submission:

Labcorp Genetics (formerly Invitae), Labcorp
Classification: Pathogenic for Neurofibromatosis, type 1. Last evaluated: 2019-05-27. Review status: criteria provided, single submitter. Criteria: Invitae Variant Classification Sherloc (09022015). Collection method: clinical testing. Allele origin: germline.
Comment: For these reasons, this variant has been classified as Pathogenic. Loss-of-function variants in NF1 are known to be pathogenic (PMID: 10712197, 23913538). This variant has not been reported in the literature in individuals with NF1-related conditions. This variant is not present in population databases (ExAC no frequency). This sequence change creates a premature translational stop signal (p.Lys814Glufs*17) in the NF1 gene. It is expected to result in an absent or disrupted protein product.

Literature cited by the submitters: PubMed 10712197; PubMed 23913538.

NM_001042492.3(NF1):c.2439_2440insG (p.Lys814fs)

Gene: NF1 (neurofibromin 1; plus strand). Cytogenetic location: 17q11.2.
Variant type: Insertion.
Coding change: c.2439_2440insG on transcript NM_001042492.3 (MANE Select); coding-DNA positions 2439 to 2440, G inserted.
Protein change: p.Lys814fs; shifts the reading frame from lysine 814.
Molecular consequence: frameshift variant.
Genome position: GRCh38 VCF-style: chr17-31229054-T-TG. GRCh37 (hg19) VCF-style: chr17-29556072-T-TG.
Other names: c.2439_2440insG, p.Lys814Glufs (NM_000267.4); short protein forms K814fs.
Identifiers: ClinVar variation 939785 (VCV000939785.6), dbSNP rs2067064699, ClinGen allele CA1139665431.